The following is an entry in ClinVar:

ClinVar aggregate classification (germline): Uncertain significance (1 of 4 stars; one submission).

gnomAD v4.1: 1 of 981,874 alleles (0.0001%); highest among the groups gnomAD compares: Non-Finnish European, 0.00012%; no homozygotes.

Submission:

Labcorp Genetics (formerly Invitae), Labcorp
Classification: Uncertain significance. Last evaluated: 2024-10-11. Review status: criteria provided, single submitter. Criteria: Invitae Variant Classification Sherloc (09022015). Collection method: clinical testing. Allele origin: germline.
Comment: This sequence change replaces glycine, which is neutral and non-polar, with serine, which is neutral and polar, at codon 120 of the MNX1 protein (p.Gly120Ser). The frequency data for this variant in the population databases is considered unreliable, as metrics indicate insufficient coverage at this position in the gnomAD database. This variant has not been reported in the literature in individuals affected with MNX1-related conditions. Invitae Evidence Modeling of protein sequence and biophysical properties (such as structural, functional, and spatial information, amino acid conservation, physicochemical variation, residue mobility, and thermodynamic stability) indicates that this missense variant is not expected to disrupt MNX1 protein function with a negative predictive value of 80%. In summary, the available evidence is currently insufficient to determine the role of this variant in disease. Therefore, it has been classified as a Variant of Uncertain Significance.

NM_005515.4(MNX1):c.358G>A (p.Gly120Ser)

Gene: MNX1 (motor neuron and pancreas homeobox 1; minus strand). Cytogenetic location: 7q36.3.
Variant type: single nucleotide variant.
Coding change: c.358G>A on transcript NM_005515.4 (MANE Select); coding-DNA position 358, G replaced by A.
Protein change: p.Gly120Ser; replaces glycine 120 with serine.
Molecular consequence: missense variant.
Genome position (GRCh38, 1-based): chr7:157,009,993, C>T on the plus strand (G>A on the coding strand, the complement: MNX1 is on the minus strand). VCF-style: chr7-157009993-C-T. GRCh37 (hg19) VCF-style: chr7-156802687-C-T.
Other names: short protein forms G120S.
Identifiers: ClinVar variation 3666100 (VCV003666100.2).